The following is an entry in ClinVar:

NM_000245.4(MET):c.457G>A (p.Asp153Asn)

Gene: MET (MET proto-oncogene, receptor tyrosine kinase; plus strand). Cytogenetic location: 7q31.2.
Variant type: single nucleotide variant.
Coding change: c.457G>A on transcript NM_000245.4 (MANE Select); coding-DNA position 457, G replaced by A.
Protein change: p.Asp153Asn; replaces aspartic acid 153 with asparagine.
Molecular consequence: missense variant. On other transcripts: intron variant (1).
Genome position (GRCh38, 1-based): chr7:116,699,541, G>A. VCF-style: chr7-116699541-G-A. GRCh37 (hg19) VCF-style: chr7-116339595-G-A.
Other names: c.457G>A, p.Asp153Asn (NM_001127500.3, NM_001324401.3); c.-91+26964G>A (NM_001324402.2); short protein forms D153N.
Identifiers: ClinVar variation 2702017 (VCV002702017.3), dbSNP rs747391719, ClinGen allele CA4447994.

ClinVar aggregate classification (germline): Uncertain significance (1 of 4 stars; one submission).

Conditions:
Renal cell carcinoma. Identifiers: Orphanet 217071, MedGen C0007134, MeSH D002292, MONDO:0005086, HP:0005584.

Allele frequency attached by ClinVar (database versions not stated): gnomAD exomes below 0.00001; TOPMed below 0.00001; ExAC 0.00001.

Submission:

Labcorp Genetics (formerly Invitae), Labcorp
Classification: Uncertain significance for Renal cell carcinoma. Last evaluated: 2023-12-10. Review status: criteria provided, single submitter. Criteria: Invitae Variant Classification Sherloc (09022015). Collection method: clinical testing. Allele origin: germline.
Comment: This sequence change replaces aspartic acid, which is acidic and polar, with asparagine, which is neutral and polar, at codon 153 of the MET protein (p.Asp153Asn). This variant is present in population databases (rs747391719, gnomAD 0.003%). This variant has not been reported in the literature in individuals affected with MET-related conditions. Advanced modeling of protein sequence and biophysical properties (such as structural, functional, and spatial information, amino acid conservation, physicochemical variation, residue mobility, and thermodynamic stability) performed at Invitae indicates that this missense variant is not expected to disrupt MET protein function with a negative predictive value of 80%. In summary, the available evidence is currently insufficient to determine the role of this variant in disease. Therefore, it has been classified as a Variant of Uncertain Significance.